The following is an entry in ClinVar:

NM_030943.4(AMN):c.296-3C>T

Gene: AMN (amnion associated transmembrane protein; plus strand). Cytogenetic location: 14q32.32.
Variant type: single nucleotide variant.
Coding change: c.296-3C>T on transcript NM_030943.4 (MANE Select); 3 bases into the intron before coding-DNA position 296, C replaced by T.
Molecular consequence: intron variant.
Genome position (GRCh38, 1-based): chr14:102,928,755, C>T. VCF-style: chr14-102928755-C-T. GRCh37 (hg19) VCF-style: chr14-103395092-C-T.
Identifiers: ClinVar variation 1492690 (VCV001492690.7), dbSNP rs764763091, ClinGen allele CA7359874.
Genomic context (GRCh38, chr14:102,928,755, plus strand): 5'-GTGGCGTGGCGTGGTGTGGCGCGGCGCTTGTTCCGTGGAGCTCAGGGATGTGCTCCGGCT[C>T]AGGCGAACCTGCCGTCTTCCGCGACTCTGACCGCTTCTCCTGGCATGACCCGCACCTGTG-3'

ClinVar aggregate classification (germline): Uncertain significance. Review status: criteria provided, multiple submitters, no conflicts (2 of 4 stars). 2 submissions from 2 submitters: Uncertain significance (2). Last evaluated 2024-08-13.

Conditions:
Imerslund-Grasbeck syndrome type 2. Also called: MEGALOBLASTIC ANEMIA, NORWEGIAN TYPE; Imerslund-Gräsbeck syndrome 2; Megaloblastic anemia 1, Norwegian type. Identifiers: MedGen C4016948, MONDO:0100157, OMIM 618882.
Imerslund-Grasbeck syndrome. Also called: Megaloblastic anemia due to inborn errors of metabolism; ENTEROCYTE COBALAMIN MALABSORPTION; ENTEROCYTE INTRINSIC FACTOR RECEPTOR, DEFECT OF; PERNICIOUS ANEMIA, JUVENILE, DUE TO SELECTIVE INTESTINAL MALABSORPTION OF VITAMIN B12, WITH PROTEINURIA; Imerslund-Gräsbeck syndrome. Identifiers: Orphanet 35858, MedGen C4551825, MONDO:0009853.

Allele frequency attached by ClinVar (database versions not stated): TOPMed below 0.00001; gnomAD 0.00001.
gnomAD v4.1: 5 of 1,606,674 alleles (0.00031%); highest among the groups gnomAD compares: Non-Finnish European, 0.00034%; no homozygotes.

Submissions (2):

Labcorp Genetics (formerly Invitae), Labcorp
Classification: Uncertain significance for Imerslund-Grasbeck syndrome. Last evaluated: 2024-08-13. Review status: criteria provided, single submitter. Criteria: Invitae Variant Classification Sherloc (09022015). Collection method: clinical testing. Allele origin: germline.
Comment: This sequence change falls in intron 4 of the AMN gene. It does not directly change the encoded amino acid sequence of the AMN protein. It affects a nucleotide within the consensus splice site. This variant is present in population databases (rs764763091, gnomAD 0.005%). This variant has not been reported in the literature in individuals affected with AMN-related conditions. ClinVar contains an entry for this variant (Variation ID: 1492690). Variants that disrupt the consensus splice site are a relatively common cause of aberrant splicing (PMID: 17576681, 9536098). Algorithms developed to predict the effect of sequence changes on RNA splicing suggest that this variant is not likely to affect RNA splicing. In summary, the available evidence is currently insufficient to determine the role of this variant in disease. Therefore, it has been classified as a Variant of Uncertain Significance.

Fulgent Genetics
Classification: Uncertain significance for Imerslund-Grasbeck syndrome type 2. Last evaluated: 2024-04-25. Review status: criteria provided, single submitter. Criteria: ACMG Guidelines, 2015. Collection method: clinical testing. Allele origin: germline.

Literature cited by the submitters: PubMed 17576681 (cited by Labcorp Genetics (formerly Invitae), Labcorp); PubMed 9536098 (cited by Labcorp Genetics (formerly Invitae), Labcorp).